The following is an entry in ClinVar:

ClinVar aggregate classification (germline): Likely benign (1 of 4 stars; one submission).

Conditions:
Cerebellar ataxia, impaired intellectual development, and dysequilibrium syndrome 2. Also called: CEREBELLAR ATAXIA, MENTAL RETARDATION, AND DYSEQUILIBRIUM SYNDROME 2; CEREBELLAR ATAXIA AND MENTAL RETARDATION WITH OR WITHOUT QUADRUPEDAL LOCOMOTION 2; Cerebellar ataxia, intellectual disability, and dysequilibrium syndrome 2. Identifiers: Orphanet 1766, MedGen C2750234, MONDO:0012430, OMIM 610185.

Submission:

Centre for Medical Genetics,  Mumbai
Classification: Likely benign for Cerebellar ataxia, impaired intellectual development, and dysequilibrium syndrome 2. Last evaluated: 2026-02-03. Review status: criteria provided, single submitter. Criteria: ACMG Guidelines, 2015. Collection method: provider interpretation. Allele origin: germline. Inheritance: Autosomal recessive inheritance. Affected: no. Observed: 1 homozygote.
Comment: The variant satisfies PM2 criteria; Extremely low frequency in gnomAD population databases. However, the variant satisfies BS2 criteria; present in homozygous state in an individual that clinically does not have Cerebellar ataxia, impaired intellectual development, and dysquilibrium syndrome

Literature cited by the submitters: PubMed 16371500.

NM_001163809.2(WDR81):c.4060G>A (p.Val1354Met)

Gene: WDR81 (WD repeat domain 81; plus strand). Cytogenetic location: 17p13.3.
Variant type: single nucleotide variant.
Coding change: c.4060G>A on transcript NM_001163809.2 (MANE Select); coding-DNA position 4060, G replaced by A.
Protein change: p.Val1354Met; replaces valine 1354 with methionine.
Molecular consequence: missense variant.
Genome position (GRCh38, 1-based): chr17:1,731,161, G>A. VCF-style: chr17-1731161-G-A. GRCh37 (hg19) VCF-style: chr17-1634455-G-A.
Other names: c.451G>A, p.Val151Met (NM_001163673.2); c.379G>A, p.Val127Met (NM_001163811.2); c.907G>A, p.Val303Met (NM_152348.4); short protein forms V127M, V1354M, V151M, V303M.
Identifiers: ClinVar variation 4690279 (VCV004690279.1).
Genomic context (GRCh38, chr17:1,731,161, plus strand): 5'-CTGAACAGCCGTAAGGAGGCGGGGCTGCTGGCCGCGGTGACGCTGACTCAGAAGATCATC[G>A]TGTACCTCTCAGACACCACACTCATGGACATCCTGCCCCGGATCAGCCATGAGGTCCTGC-3'
Protein context (NP_001157281.1, residues 1344-1364): AAVTLTQKII[Val1354Met]YLSDTTLMDI